The following is an entry in ClinVar:

NM_001242896.3(DEPDC5):c.4058C>T (p.Thr1353Ile)

Gene: DEPDC5 (DEP domain containing 5, GATOR1 subcomplex subunit; plus strand). Cytogenetic location: 22q12.3.
Variant type: single nucleotide variant.
Coding change: c.4058C>T on transcript NM_001242896.3 (MANE Select); coding-DNA position 4058, C replaced by T.
Protein change: p.Thr1353Ile; replaces threonine 1353 with isoleucine.
Molecular consequence: missense variant. On other transcripts: non-coding transcript variant (5).
Genome position (GRCh38, 1-based): chr22:31,893,606, C>T. VCF-style: chr22-31893606-C-T. GRCh37 (hg19) VCF-style: chr22-32289592-C-T.
Other names: c.4031C>T, p.Thr1344Ile (NM_001136029.4); c.3758C>T, p.Thr1253Ile (NM_001242897.2); c.3992C>T, p.Thr1331Ile (NM_001363852.2, NM_001364320.2); c.3824C>T, p.Thr1275Ile (NM_001363854.2, NM_001364319.2); c.4058C>T, p.Thr1353Ile (NM_001364318.2); c.3974C>T, p.Thr1325Ile (NM_001369901.1, NM_001369902.1); c.3965C>T, p.Thr1322Ile (NM_001369903.1, NM_014662.6); short protein forms T1253I, T1275I, T1322I, T1325I, T1331I, T1344I, T1353I.
Identifiers: ClinVar variation 1675885 (VCV001675885.36), dbSNP rs1163140081, ClinGen allele CA411286721.

ClinVar aggregate classification (germline): Uncertain significance. Review status: criteria provided, multiple submitters, no conflicts (2 of 4 stars). 2 submissions from 2 submitters: Uncertain significance (2). Last evaluated 2023-06-22.

Conditions:
Familial focal epilepsy with variable foci (FPEVF). Identifiers: Orphanet 98820, MedGen C1858477, MONDO:0020310.

Allele frequency attached by ClinVar (database versions not stated): gnomAD exomes below 0.00001 and 0.00001.
gnomAD v4.1: 10 of 1,611,938 alleles (0.00062%); highest among the groups gnomAD compares: Non-Finnish European, 0.00068%; no homozygotes.

Submissions (2):

Labcorp Genetics (formerly Invitae), Labcorp
Classification: Uncertain significance for Familial focal epilepsy with variable foci. Last evaluated: 2023-06-22. Review status: criteria provided, single submitter. Criteria: Invitae Variant Classification Sherloc (09022015). Collection method: clinical testing. Allele origin: germline.
Comment: This sequence change replaces threonine, which is neutral and polar, with isoleucine, which is neutral and non-polar, at codon 1353 of the DEPDC5 protein (p.Thr1353Ile). This variant is present in population databases (no rsID available, gnomAD 0.0009%). This variant has not been reported in the literature in individuals affected with DEPDC5-related conditions. ClinVar contains an entry for this variant (Variation ID: 1675885). Experimental studies and prediction algorithms are not available or were not evaluated, and the functional significance of this variant is currently unknown. In summary, the available evidence is currently insufficient to determine the role of this variant in disease. Therefore, it has been classified as a Variant of Uncertain Significance.

CeGaT Center for Human Genetics Tuebingen
Classification: Uncertain significance. Last evaluated: 2022-02-01. Review status: criteria provided, single submitter. Criteria: CeGaT Center For Human Genetics Tuebingen Variant Classification Criteria Version 2. Collection method: clinical testing. Allele origin: germline. Affected: yes. Observed: 1 variant allele.